The following is an entry in ClinVar:

ClinVar aggregate classification (germline): Uncertain significance (1 of 4 stars; one submission).

Conditions:
Tuberous sclerosis 2 (TSC2). Identifiers: Orphanet 805, MedGen C1860707, MONDO:0013199, OMIM 613254.

gnomAD v4.1: 1 of 1,612,874 alleles (0.000062%); highest among the groups gnomAD compares: South Asian, 0.0011%; no homozygotes.

Submission:

Labcorp Genetics (formerly Invitae), Labcorp
Classification: Uncertain significance for Tuberous sclerosis 2. Last evaluated: 2017-09-19. Review status: criteria provided, single submitter. Criteria: Invitae Variant Classification Sherloc (09022015). Collection method: clinical testing. Allele origin: germline.
Comment: In summary, the available evidence is currently insufficient to determine the role of this variant in disease. Therefore, it has been classified as a Variant of Uncertain Significance. This sequence change replaces proline with glutamine at codon 1771 of the TSC2 protein (p.Pro1771Gln). The proline residue is weakly conserved and there is a moderate physicochemical difference between proline and glutamine. This variant is not present in population databases (ExAC no frequency). This variant has not been reported in the literature in individuals with TSC2-related disease. Algorithms developed to predict the effect of missense changes on protein structure and function output the following: SIFT: "Tolerated"; PolyPhen-2: "Benign"; Align-GVGD: "Class C0". The glutamine amino acid residue is found in multiple mammalian species, suggesting that this missense change does not adversely affect protein function. These predictions have not been confirmed by published functional studies and their clinical significance is uncertain. Algorithms developed to predict the effect of sequence changes on RNA splicing suggest that this variant may create or strengthen a splice site, but this prediction has not been confirmed by published transcriptional studies.

NM_000548.5(TSC2):c.5312C>A (p.Pro1771Gln)

Gene: TSC2 (TSC complex subunit 2; plus strand). Cytogenetic location: 16p13.3.
Variant type: single nucleotide variant.
Coding change: c.5312C>A on transcript NM_000548.5 (MANE Select); coding-DNA position 5312, C replaced by A.
Protein change: p.Pro1771Gln; replaces proline 1771 with glutamine.
Molecular consequence: missense variant.
Genome position (GRCh38, 1-based): chr16:2,088,498, C>A. VCF-style: chr16-2088498-C-A. GRCh37 (hg19) VCF-style: chr16-2138499-C-A.
Other names: c.5111C>A, p.Pro1704Gln (NM_001077183.3); c.5243C>A, p.Pro1748Gln (NM_001114382.3); c.5003C>A, p.Pro1668Gln (NM_001318827.2); c.4967C>A, p.Pro1656Gln (NM_001318829.2); c.4580C>A, p.Pro1527Gln (NM_001318831.2); c.5144C>A, p.Pro1715Gln (NM_001318832.2); c.5114C>A, p.Pro1705Gln (NM_001363528.2); c.5180C>A, p.Pro1727Gln (NM_001370404.1); and 2 more; short protein forms P1771Q, P1527Q, P1715Q, P1656Q, P1727Q, P1668Q, P1704Q, P1705Q.
Identifiers: ClinVar variation 536004 (VCV000536004.8), dbSNP rs137854214, ClinGen allele CA394315432.
Genomic context (GRCh38, chr16:2,088,498, plus strand): 5'-GCCTTCAGATCTGCGAGGAAGCCGCCTACTCCAACCCCAGCCTACCTCTGGTGCACCCTC[C>A]GTCCCATAGCAAAGCCCCTGCACAGACTCCAGCCGAGCCCACACCTGGCTATGAGGTGGG-3'
Protein context (NP_000539.2, residues 1761-1781): SNPSLPLVHP[Pro1771Gln]SHSKAPAQTP